The following is an entry in ClinVar:

NM_000368.5(TSC1):c.2698C>T (p.Gln900Ter)

Gene: TSC1 (TSC complex subunit 1; minus strand). Cytogenetic location: 9q34.13.
Variant type: single nucleotide variant.
Coding change: c.2698C>T on transcript NM_000368.5 (MANE Select); coding-DNA position 2698, C replaced by T.
Protein change: p.Gln900Ter; replaces glutamine 900 with a stop codon.
Molecular consequence: nonsense.
Genome position (GRCh38, 1-based): chr9:132,897,538, G>A on the plus strand (C>T on the coding strand, the complement: TSC1 is on the minus strand). VCF-style: chr9-132897538-G-A. GRCh37 (hg19) VCF-style: chr9-135772925-G-A.
Other names: c.2695C>T, p.Gln899Ter (NM_001162426.2); c.2545C>T, p.Gln849Ter (NM_001162427.2); c.2335C>T, p.Gln779Ter (NM_001362177.2); short protein forms Q900*, Q779*, Q899*, Q849*.
Identifiers: ClinVar variation 64826 (VCV000064826.5), dbSNP rs397514871, ClinGen allele CA006903.
Genomic context (GRCh38, chr9:132,897,538, plus strand): 5'-CTTTCTTGGCCAGGTGAGATTCCAGTTCCAAAATCCGTTTTTGGGAGGTATCAAGCCTCT[G>A]AGTCTGCTGGAGAACATGGCTTCTGTTTTTTTCTAGCTCTTTCCGATAGGCGGCTTTCAT-3'

ClinVar aggregate classification (germline): Pathogenic. Review status: criteria provided, multiple submitters, no conflicts (2 of 4 stars). 4 submissions from 4 submitters: Pathogenic (3). 1 of the submissions does not count toward it. Last evaluated 2022-07-01.

Conditions:
Hereditary cancer-predisposing syndrome. Also called: Tumor predisposition; Hereditary Cancer Syndrome; Neoplastic Syndromes, Hereditary; Hereditary neoplastic syndrome. Identifiers: Orphanet 140162, MedGen C0027672, MeSH D009386, MONDO:0015356.
Tuberous sclerosis syndrome (TSC). Also called: Tuberous Sclerosis Complex; Tuberous sclerosis. Identifiers: Orphanet 805, MedGen C0041341, MONDO:0001734.
Tuberous sclerosis 1 (TSC1). Identifiers: Orphanet 805, MedGen C1854465, MONDO:0008612, OMIM 191100.

Submissions (4):

GeneDx
Classification: Pathogenic. Last evaluated: 2022-07-01. Review status: criteria provided, single submitter. Criteria: GeneDx Variant Classification Process June 2021. Collection method: clinical testing. Allele origin: germline. Affected: yes.
Comment: Published functional studies demonstrate that this variant reduces TSC1-TSC2 complex formation and inhibition of mTOR activity (Hoogeveen-Westerveld et al., 2010); Nonsense variant predicted to result in protein truncation or nonsense mediated decay in a gene for which loss of function is a known mechanism of disease; Not observed at significant frequency in large population cohorts (gnomAD); This variant is associated with the following publications: (PMID: 15798777, 20547222)

Ambry Genetics
Classification: Pathogenic for Hereditary cancer-predisposing syndrome. Last evaluated: 2018-05-18. Review status: criteria provided, single submitter. Criteria: Ambry Variant Classification Scheme 2023. Collection method: clinical testing. Allele origin: germline.
Comment: The p.Q900* pathogenic mutation (also known as c.2698C>T), located in coding exon 19 of the TSC1 gene, results from a C to T substitution at nucleotide position 2698. This changes the amino acid from a glutamine to a stop codon within coding exon 19. This alteration (also described as c.2919C>T) has been reported in individuals with tuberous sclerosis complex (TSC), and functional studies suggested reduced efficiency (Hoogeveen-Westerveld M et al. Biochim. Biophys. Acta, 2010 Sep;1802:774-81). In addition to the clinical data presented in the literature, this alteration is expected to result in loss of function by premature protein truncation or nonsense-mediated mRNA decay. As such, this alteration is interpreted as a disease-causing mutation.

Athena Diagnostics
Classification: Pathogenic for Tuberous sclerosis 1. Last evaluated: 2013-08-09. Review status: criteria provided, single submitter. Criteria: Athena Diagnostics Criteria. Collection method: clinical testing. Allele origin: germline. Inheritance: Autosomal dominant inheritance.

Tuberous sclerosis database (TSC1)
No classification provided. Condition: TSC. Review status: no classification provided. Criteria: Tuberous Sclerosis Database Assertion Criteria 2015. Collection method: curation. Allele origin: germline. Affected: yes. Not counted in ClinVar's aggregate classification.

Literature cited by the submitters: PubMed 20547222 (cited by Ambry Genetics and Athena Diagnostics); PubMed 15798777 (cited by Athena Diagnostics).